The following is an entry in ClinVar:

NM_001372.4(DNAH9):c.6704T>C (p.Ile2235Thr)

Gene: DNAH9 (dynein axonemal heavy chain 9; plus strand). Cytogenetic location: 17p12.
Variant type: single nucleotide variant.
Coding change: c.6704T>C on transcript NM_001372.4 (MANE Select); coding-DNA position 6704, T replaced by C.
Protein change: p.Ile2235Thr; replaces isoleucine 2235 with threonine.
Molecular consequence: missense variant.
Genome position (GRCh38, 1-based): chr17:11,752,926, T>C. VCF-style: chr17-11752926-T-C. GRCh37 (hg19) VCF-style: chr17-11656243-T-C.
Other names: short protein forms I2235T.
Identifiers: ClinVar variation 2076320 (VCV002076320.2), dbSNP rs764641243, ClinGen allele CA8396383.

ClinVar aggregate classification (germline): Uncertain significance (1 of 4 stars; one submission).

Allele frequency attached by ClinVar (database versions not stated): gnomAD exomes 0.00002; ExAC 0.00003; TOPMed 0.00004.
gnomAD v4.1: 13 of 1,605,966 alleles (0.00081%); highest among the groups gnomAD compares: Admixed American, 0.019%; no homozygotes.

Submission:

Labcorp Genetics (formerly Invitae), Labcorp
Classification: Uncertain significance. Last evaluated: 2022-08-01. Review status: criteria provided, single submitter. Criteria: Invitae Variant Classification Sherloc (09022015). Collection method: clinical testing. Allele origin: germline.
Comment: This variant is present in population databases (rs764641243, gnomAD 0.03%). This sequence change replaces isoleucine, which is neutral and non-polar, with threonine, which is neutral and polar, at codon 2235 of the DNAH9 protein (p.Ile2235Thr). This variant has not been reported in the literature in individuals affected with DNAH9-related conditions. In summary, the available evidence is currently insufficient to determine the role of this variant in disease. Therefore, it has been classified as a Variant of Uncertain Significance. Algorithms developed to predict the effect of missense changes on protein structure and function are either unavailable or do not agree on the potential impact of this missense change (SIFT: "Deleterious"; PolyPhen-2: "Probably Damaging"; Align-GVGD: "Class C0").